The following is an entry in ClinVar:

NM_001378477.3(NYX):c.572C>T (p.Ala191Val)

Gene: NYX (nyctalopin; plus strand). Cytogenetic location: Xp11.4.
Variant type: single nucleotide variant.
Coding change: c.572C>T on transcript NM_001378477.3 (MANE Select); coding-DNA position 572, C replaced by T.
Protein change: p.Ala191Val; replaces alanine 191 with valine.
Molecular consequence: missense variant.
Genome position (GRCh38, 1-based): chrX:41,474,040, C>T. VCF-style: chrX-41474040-C-T. GRCh37 (hg19) VCF-style: chrX-41333293-C-T.
Other names: c.572C>T, p.Ala191Val (NM_022567.3); short protein forms A196V, A191V.
Identifiers: ClinVar variation 866219 (VCV000866219.12), dbSNP rs1334838148, ClinGen allele CA412990828.

ClinVar aggregate classification (germline): Conflicting classifications of pathogenicity. Review status: criteria provided, conflicting classifications (1 of 4 stars). 3 submissions from 3 submitters: Uncertain significance (2); Likely benign (1). Last evaluated 2025-08-06.

Conditions:
Inborn genetic diseases. Identifiers: MedGen C0950123, MeSH D030342.

Allele frequency attached by ClinVar (database versions not stated): TOPMed 0.00002; gnomAD 0.00004.

Submissions (3):

Labcorp Genetics (formerly Invitae), Labcorp
Classification: Uncertain significance. Last evaluated: 2025-08-06. Review status: criteria provided, single submitter. Criteria: Invitae Variant Classification Sherloc (09022015). Collection method: clinical testing. Allele origin: germline.
Comment: This sequence change replaces alanine, which is neutral and non-polar, with valine, which is neutral and non-polar, at codon 196 of the NYX protein (p.Ala196Val). This variant is present in population databases (no rsID available, gnomAD 0.02%). This variant has not been reported in the literature in individuals affected with NYX-related conditions. ClinVar contains an entry for this variant (Variation ID: 866219). Invitae Evidence Modeling of protein sequence and biophysical properties (such as structural, functional, and spatial information, amino acid conservation, physicochemical variation, residue mobility, and thermodynamic stability) indicates that this missense variant is not expected to disrupt NYX protein function with a negative predictive value of 80%. In summary, the available evidence is currently insufficient to determine the role of this variant in disease. Therefore, it has been classified as a Variant of Uncertain Significance.

Ambry Genetics
Classification: Uncertain significance for Inborn genetic diseases. Last evaluated: 2025-01-21. Review status: criteria provided, single submitter. Criteria: Ambry Variant Classification Scheme 2023. Collection method: clinical testing. Allele origin: germline.

Blueprint Genetics
Classification: Likely benign. Last evaluated: 2024-03-18. Review status: criteria provided, single submitter. Criteria: ACMG Guidelines, 2015. Collection method: clinical testing. Allele origin: germline.